The following is an entry in ClinVar:

ClinVar aggregate classification (germline): Uncertain significance (1 of 4 stars; one submission).

Conditions:
Werner syndrome (WRN). Identifiers: Orphanet 902, MedGen C0043119, MONDO:0010196, OMIM 277700.

Submission:

Labcorp Genetics (formerly Invitae), Labcorp
Classification: Uncertain significance for Werner syndrome. Last evaluated: 2025-07-20. Review status: criteria provided, single submitter. Criteria: Invitae Variant Classification Sherloc (09022015). Collection method: clinical testing. Allele origin: germline.
Comment: This sequence change replaces isoleucine, which is neutral and non-polar, with leucine, which is neutral and non-polar, at codon 283 of the WRN protein (p.Ile283Leu). This variant is not present in population databases (gnomAD no frequency). This variant has not been reported in the literature in individuals affected with WRN-related conditions. ClinVar contains an entry for this variant (Variation ID: 943617). An algorithm developed to predict the effect of missense changes on protein structure and function outputs the following: PolyPhen-2: "Benign". The leucine amino acid residue is found in multiple mammalian species, which suggests that this missense change does not adversely affect protein function. In summary, the available evidence is currently insufficient to determine the role of this variant in disease. Therefore, it has been classified as a Variant of Uncertain Significance.

NM_000553.6(WRN):c.847A>C (p.Ile283Leu)

Gene: WRN (WRN RecQ like helicase; plus strand). Cytogenetic location: 8p12.
Variant type: single nucleotide variant.
Coding change: c.847A>C on transcript NM_000553.6 (MANE Select); coding-DNA position 847, A replaced by C.
Protein change: p.Ile283Leu; replaces isoleucine 283 with leucine.
Molecular consequence: missense variant.
Genome position (GRCh38, 1-based): chr8:31,080,874, A>C. VCF-style: chr8-31080874-A-C. GRCh37 (hg19) VCF-style: chr8-30938390-A-C.
Other names: short protein forms I283L.
Identifiers: ClinVar variation 943617 (VCV000943617.6), dbSNP rs201643901, ClinGen allele CA174858332.